The following is an entry in ClinVar:

NM_030777.4(SLC2A10):c.300G>C (p.Trp100Cys)

Gene: SLC2A10 (solute carrier family 2 member 10; plus strand). Cytogenetic location: 20q13.12.
Variant type: single nucleotide variant.
Coding change: c.300G>C on transcript NM_030777.4 (MANE Select); coding-DNA position 300, G replaced by C.
Protein change: p.Trp100Cys; replaces tryptophan 100 with cysteine.
Molecular consequence: missense variant.
Genome position (GRCh38, 1-based): chr20:46,725,336, G>C. VCF-style: chr20-46725336-G-C. GRCh37 (hg19) VCF-style: chr20-45353975-G-C.
Other names: short protein forms W100C.
Identifiers: ClinVar variation 338590 (VCV000338590.13), dbSNP rs886056725, ClinGen allele CA10649790.

ClinVar aggregate classification (germline): Uncertain significance. Review status: criteria provided, multiple submitters, no conflicts (2 of 4 stars). 2 submissions from 2 submitters: Uncertain significance (2). Last evaluated 2020-10-13.

Conditions:
Arterial tortuosity syndrome (ATORS). Identifiers: Orphanet 3342, MedGen C1859726, MONDO:0008818, OMIM 208050.

Submissions (2):

Labcorp Genetics (formerly Invitae), Labcorp
Classification: Uncertain significance for Arterial tortuosity syndrome. Last evaluated: 2020-10-13. Review status: criteria provided, single submitter. Criteria: Invitae Variant Classification Sherloc (09022015). Collection method: clinical testing. Allele origin: germline.
Comment: This sequence change replaces tryptophan with cysteine at codon 100 of the SLC2A10 protein (p.Trp100Cys). The tryptophan residue is highly conserved and there is a large physicochemical difference between tryptophan and cysteine. This variant is not present in population databases (ExAC no frequency). This variant has not been reported in the literature in individuals with SLC2A10-related conditions. ClinVar contains an entry for this variant (Variation ID: 338590). Algorithms developed to predict the effect of missense changes on protein structure and function are either unavailable or do not agree on the potential impact of this missense change (SIFT: "Deleterious"; PolyPhen-2: "Probably Damaging"; Align-GVGD: "Class C0"). In summary, the available evidence is currently insufficient to determine the role of this variant in disease. Therefore, it has been classified as a Variant of Uncertain Significance.

Illumina Laboratory Services, Illumina
Classification: Uncertain significance for Arterial tortuosity syndrome. Last evaluated: 2018-01-12. Review status: criteria provided, single submitter. Criteria: ICSL Variant Classification Criteria 13 December 2019. Collection method: clinical testing. Allele origin: germline.